The following is an entry in ClinVar:

NM_004329.3(BMPR1A):c.1578A>G (p.Glu526=)

Gene: BMPR1A (bone morphogenetic protein receptor type 1A; plus strand). Cytogenetic location: 10q23.2.
Variant type: single nucleotide variant.
Coding change: c.1578A>G on transcript NM_004329.3 (MANE Select); coding-DNA position 1578, A replaced by G.
Protein change: p.Glu526=; no amino-acid change (glutamic acid 526 retained).
Molecular consequence: synonymous variant.
Genome position (GRCh38, 1-based): chr10:86,923,698, A>G. VCF-style: chr10-86923698-A-G. GRCh37 (hg19) VCF-style: chr10-88683455-A-G.
Identifiers: ClinVar variation 460490 (VCV000460490.20), dbSNP rs202030576, ClinGen allele CA5585752.

ClinVar aggregate classification (germline): Benign/Likely benign. Review status: criteria provided, multiple submitters, no conflicts (2 of 4 stars). 6 submissions from 6 submitters: Benign (1); Likely benign (5). Last evaluated 2026-01-26.

Conditions:
Juvenile polyposis syndrome (JPS). Identifiers: Orphanet 2929, MedGen C0345893, MONDO:0017380, OMIM 174900.
Hereditary cancer-predisposing syndrome. Also called: Hereditary neoplastic syndrome; Neoplastic Syndromes, Hereditary; Tumor predisposition; Hereditary Cancer Syndrome. Identifiers: Orphanet 140162, MedGen C0027672, MeSH D009386, MONDO:0015356.

Allele frequency attached by ClinVar (database versions not stated): gnomAD 0.00002; gnomAD exomes 0.00002; TOPMed 0.00002; ExAC 0.00004; 1000 Genomes Project 30x 0.00016; 1000 Genomes Project 0.00020.
gnomAD v4.1: 15 of 1,613,940 alleles (0.00093%); highest among the groups gnomAD compares: East Asian, 0.027%; no homozygotes.

Submissions (6):

Labcorp Genetics (formerly Invitae), Labcorp
Classification: Likely benign for Juvenile polyposis syndrome. Last evaluated: 2026-01-26. Review status: criteria provided, single submitter. Criteria: Invitae Variant Classification Sherloc (09022015). Collection method: clinical testing. Allele origin: germline.

Myriad Genetics, Inc.
Classification: Benign for Juvenile polyposis syndrome. Last evaluated: 2024-08-08. Review status: criteria provided, single submitter. Criteria: Myriad Autosomal Dominant, Autosomal Recessive and X-Linked Classification Criteria (2023). Collection method: clinical testing. Allele origin: unknown.
Comment: This variant is considered benign. This variant is a silent/synonymous amino acid change and it is not expected to impact splicing.

Women's Health and Genetics/Laboratory Corporation of America, LabCorp
Classification: Likely benign. Last evaluated: 2024-04-18. Review status: criteria provided, single submitter. Criteria: LabCorp Variant Classification Summary - May 2015. Collection method: clinical testing. Allele origin: germline.

All of Us Research Program, National Institutes of Health
Classification: Likely benign for Juvenile polyposis syndrome. Last evaluated: 2023-02-15. Review status: criteria provided, single submitter. Criteria: ACMG Guidelines, 2015. Collection method: clinical testing. Allele origin: germline. Inheritance: Autosomal dominant inheritance. Observed: 1 variant allele, 1 heterozygote.
Comment: This study involves interpretation of variants in research participants for the purpose of population health screening. Participant phenotype was not available at the time of variant classification. Additional details can be found in publication PMID: 35346344, PMCID: PMC8962531

Ambry Genetics
Classification: Likely benign for Hereditary cancer-predisposing syndrome. Last evaluated: 2018-06-29. Review status: criteria provided, single submitter. Criteria: Ambry Variant Classification Scheme 2023. Collection method: clinical testing. Allele origin: germline.

Color Diagnostics, LLC DBA Color Health
Classification: Likely benign for Hereditary cancer-predisposing syndrome. Last evaluated: 2017-10-06. Review status: criteria provided, single submitter. Criteria: ACMG Guidelines, 2015. Collection method: clinical testing. Allele origin: germline.

Literature cited by the submitters: PubMed 26900293 (cited by Ambry Genetics).